The following is an entry in ClinVar:

NM_000038.6(APC):c.-19+7205G>A

Gene: APC (APC regulator of WNT signaling pathway; plus strand). Cytogenetic location: 5q22.2.
Variant type: single nucleotide variant.
Coding change: c.-19+7205G>A on transcript NM_000038.6 (MANE Select); 7205 bases into the intron after 19 bases upstream of the start codon, G replaced by A.
Molecular consequence: intron variant.
Genome position (GRCh38, 1-based): chr5:112,745,130, G>A. VCF-style: chr5-112745130-G-A. GRCh37 (hg19) VCF-style: chr5-112080827-G-A.
Other names: c.-18-9743G>A (NM_001354895.2); c.166-21196G>A (NM_001354897.2, NM_001354902.2, NM_001127511.3); c.-19+6670G>A (NM_001127510.3); c.60+6670G>A (NM_001354898.2, NM_001354904.2); c.-1054+7205G>A (NM_001354906.2); c.-19+7205G>A (NM_001354896.2, NM_001354903.2, NM_001354899.2); c.-43+7205G>A (NM_001354900.2, NM_001354901.2, NM_001354905.2).
Identifiers: ClinVar variation 82771 (VCV000082771.2), dbSNP rs79655915, ClinGen allele CA006981.

ClinVar aggregate classification (germline): other (0 of 4 stars; one submission).

Conditions:
Familial colorectal cancer. Identifiers: MedGen CN280943, MONDO:0023113. Disease mechanism: loss of function.

Allele frequency attached by ClinVar (database versions not stated): TOPMed below 0.00001; gnomAD 0.00001.
gnomAD v4.1: 1 of 151,670 alleles (0.00066%); highest among the groups gnomAD compares: Admixed American, 0.0066%; no homozygotes.

Submission:

Systems Biology Platform Zhejiang California International NanoSystems Institute
Classification: other for Familial colorectal cancer. Review status: no assertion criteria provided. Collection method: not provided. Allele origin: unknown.
ClinVar note: Converted during submission from cancer to other.